The following is an entry in ClinVar:

NM_000059.4(BRCA2):c.5638A>G (p.Asn1880Asp)

Gene: BRCA2 (BRCA2 DNA repair associated; plus strand). Cytogenetic location: 13q13.1.
Variant type: single nucleotide variant.
Coding change: c.5638A>G on transcript NM_000059.4 (MANE Select); coding-DNA position 5638, A replaced by G.
Protein change: p.Asn1880Asp; replaces asparagine 1880 with aspartic acid.
Molecular consequence: missense variant.
Genome position (GRCh38, 1-based): chr13:32,339,993, A>G. VCF-style: chr13-32339993-A-G. GRCh37 (hg19) VCF-style: chr13-32914130-A-G.
Other names: c.5638A>G, p.Asn1880Asp (NM_001406719.1, NM_001406720.1); short protein forms N1880D.
Identifiers: ClinVar variation 1748780 (VCV001748780.4), dbSNP rs2137519400, ClinGen allele CA387786138.

ClinVar aggregate classification (germline): Conflicting classifications of pathogenicity. Review status: criteria provided, conflicting classifications (1 of 4 stars). 2 submissions from 2 submitters: Uncertain significance (1); Likely benign (1). Last evaluated 2023-03-23.

Conditions:
Hereditary cancer-predisposing syndrome. Also called: Hereditary Cancer Syndrome; Hereditary neoplastic syndrome; Neoplastic Syndromes, Hereditary; Tumor predisposition. Identifiers: Orphanet 140162, MedGen C0027672, MeSH D009386, MONDO:0015356.

Submissions (2):

University of Washington Department of Laboratory Medicine, University of Washington
Classification: Likely benign for Hereditary cancer-predisposing syndrome. Last evaluated: 2023-03-23. Review status: criteria provided, single submitter. Criteria: Dines et al. (Genet Med. 2020). Collection method: curation. Allele origin: germline.
Comment: Missense variant in a coldspot region where missense variants are very unlikely to be pathogenic (PMID:31911673).

BRCA2 exon 11 coldspot. Reclassification based on statistical prior probability.

Ambry Genetics
Classification: Uncertain significance for Hereditary cancer-predisposing syndrome. Last evaluated: 2018-08-04. Review status: criteria provided, single submitter. Criteria: Ambry Variant Classification Scheme 2023. Collection method: clinical testing. Allele origin: germline.
Comment: The p.N1880D variant (also known as c.5638A>G), located in coding exon 10 of the BRCA2 gene, results from an A to G substitution at nucleotide position 5638. The asparagine at codon 1880 is replaced by aspartic acid, an amino acid with highly similar properties. This amino acid position is poorly conserved in available vertebrate species. In addition, this alteration is predicted to be tolerated by in silico analysis. Since supporting evidence is limited at this time, the clinical significance of this alteration remains unclear.